The following is an entry in ClinVar:

ClinVar aggregate classification (germline): Uncertain significance (1 of 4 stars; one submission).

Conditions:
Arrhythmogenic cardiomyopathy with wooly hair and keratoderma. Also called: Carvajal syndrome; Arrhythmogenic cardiomyopathy with woolly hair and keratoderma; Dilated cardiomyopathy with woolly hair and keratoderma; PALMOPLANTAR KERATODERMA WITH LEFT VENTRICULAR CARDIOMYOPATHY AND WOOLLY HAIR. Identifiers: Orphanet 65282, MedGen C1854063, MONDO:0011581, OMIM 605676.
Arrhythmogenic right ventricular dysplasia 8 (ARVD8). Also called: Arrhythmogenic Right Ventricular Dysplasia/Cardiomyopathy 8; ARRHYTHMOGENIC RIGHT VENTRICULAR DYSPLASIA, FAMILIAL, 8; ARRHYTHMOGENIC RIGHT VENTRICULAR CARDIOMYOPATHY 8. Identifiers: MedGen C1843896, MONDO:0011831, OMIM 607450.

Allele frequency attached by ClinVar (database versions not stated): gnomAD exomes below 0.00001.
gnomAD v4.1: 1 of 1,614,138 alleles (0.000062%); highest among the groups gnomAD compares: Non-Finnish European, 0.000085%; no homozygotes.

Submission:

Labcorp Genetics (formerly Invitae), Labcorp
Classification: Uncertain significance for Arrhythmogenic cardiomyopathy with wooly hair and keratoderma; Arrhythmogenic right ventricular dysplasia 8. Last evaluated: 2022-04-25. Review status: criteria provided, single submitter. Criteria: Invitae Variant Classification Sherloc (09022015). Collection method: clinical testing. Allele origin: germline.
Comment: This variant has not been reported in the literature in individuals affected with DSP-related conditions. Algorithms developed to predict the effect of missense changes on protein structure and function are either unavailable or do not agree on the potential impact of this missense change (SIFT: "Deleterious"; PolyPhen-2: "Probably Damaging"; Align-GVGD: "Class C0"). In summary, the available evidence is currently insufficient to determine the role of this variant in disease. Therefore, it has been classified as a Variant of Uncertain Significance. This variant is not present in population databases (gnomAD no frequency). This sequence change replaces leucine, which is neutral and non-polar, with phenylalanine, which is neutral and non-polar, at codon 362 of the DSP protein (p.Leu362Phe).

NM_004415.4(DSP):c.1084C>T (p.Leu362Phe)

Gene: DSP (desmoplakin; plus strand). Cytogenetic location: 6p24.3.
Variant type: single nucleotide variant.
Coding change: c.1084C>T on transcript NM_004415.4 (MANE Select); coding-DNA position 1084, C replaced by T.
Protein change: p.Leu362Phe; replaces leucine 362 with phenylalanine.
Molecular consequence: missense variant.
Genome position (GRCh38, 1-based): chr6:7,567,393, C>T. VCF-style: chr6-7567393-C-T. GRCh37 (hg19) VCF-style: chr6-7567626-C-T.
Other names: c.1084C>T, p.Leu362Phe (NM_001008844.3, NM_001319034.2, NM_001406591.1); short protein forms L362F.
Identifiers: ClinVar variation 2130548 (VCV002130548.4), dbSNP rs2533879786, ClinGen allele CA362675612.
Genomic context (GRCh38, chr6:7,567,393, plus strand): 5'-GCTGACATTTTCTTGTTTCAGGCCTATATGGACACTCTGCAGACGCAGTGGAGTTGGATT[C>T]TTCAGATCACCAAGTGCATTGATGTTCATCTGAAAGAAAATGCTGCCTACTTTCAGGTTT-3'
Protein context (NP_004406.2, residues 352-372): DTLQTQWSWI[Leu362Phe]QITKCIDVHL